The following is an entry in ClinVar:

NM_020822.3(KCNT1):c.3464A>G (p.Asn1155Ser)

Gene: KCNT1 (potassium sodium-activated channel subfamily T member 1; plus strand). Cytogenetic location: 9q34.3.
Variant type: single nucleotide variant.
Coding change: c.3464A>G on transcript NM_020822.3 (MANE Select); coding-DNA position 3464, A replaced by G.
Protein change: p.Asn1155Ser; replaces asparagine 1155 with serine.
Molecular consequence: missense variant.
Genome position (GRCh38, 1-based): chr9:135,786,483, A>G. VCF-style: chr9-135786483-A-G. GRCh37 (hg19) VCF-style: chr9-138678329-A-G.
Other names: c.3329A>G, p.Asn1110Ser (NM_001272003.2); short protein forms N1110S, N1155S.
Identifiers: ClinVar variation 2948292 (VCV002948292.3), dbSNP rs1283268556, ClinGen allele CA13138008.
Genomic context (GRCh38, chr9:135,786,483, plus strand): 5'-AGCAGCGCCTCAGCCTGTACCGGCGCTCTGAGCGCCAGGAGCTCTCCGAGCTGGTGAAGA[A>G]CCGCATGAAGCACCTGGGGCTGCCCACCACCGGCTACGGTAAGGGCACACGGCGCGGGTG-3'
Protein context (NP_065873.2, residues 1145-1165): ERQELSELVK[Asn1155Ser]RMKHLGLPTT

ClinVar aggregate classification (germline): Uncertain significance (1 of 4 stars; one submission).

Conditions:
Autosomal dominant nocturnal frontal lobe epilepsy 5. Also called: Epilepsy, nocturnal frontal lobe, 5; CILIARY DYSKINESIA, PRIMARY, 28, WITHOUT SITUS INVERSUS; CILIARY DYSKINESIA, PRIMARY, 28, WITH SITUS INVERSUS; KCNT1-Related Epilepsy. Identifiers: Orphanet 98784, MedGen C3554306, MONDO:0014002, OMIM 615005.
Developmental and epileptic encephalopathy, 14 (DEE14). Also called: Early infantile epileptic encephalopathy 14. Identifiers: Orphanet 293181, MedGen C3554195, MONDO:0013989, OMIM 614959.

Allele frequency attached by ClinVar (database versions not stated): gnomAD 0.00001; gnomAD exomes 0.00001; TOPMed 0.00001.
gnomAD v4.1: 11 of 1,603,346 alleles (0.00069%); highest among the groups gnomAD compares: Non-Finnish European, 0.00093%; no homozygotes.

Submission:

Labcorp Genetics (formerly Invitae), Labcorp
Classification: Uncertain significance for Autosomal dominant nocturnal frontal lobe epilepsy 5; Developmental and epileptic encephalopathy, 14. Last evaluated: 2025-03-16. Review status: criteria provided, single submitter. Criteria: Invitae Variant Classification Sherloc (09022015). Collection method: clinical testing. Allele origin: germline.
Comment: This sequence change replaces asparagine, which is neutral and polar, with serine, which is neutral and polar, at codon 1155 of the KCNT1 protein (p.Asn1155Ser). The frequency data for this variant in the population databases is considered unreliable, as metrics indicate poor data quality at this position in the gnomAD database. This variant has not been reported in the literature in individuals affected with KCNT1-related conditions. ClinVar contains an entry for this variant (Variation ID: 2948292). Invitae Evidence Modeling of protein sequence and biophysical properties (such as structural, functional, and spatial information, amino acid conservation, physicochemical variation, residue mobility, and thermodynamic stability) indicates that this missense variant is not expected to disrupt KCNT1 protein function with a negative predictive value of 80%. In summary, the available evidence is currently insufficient to determine the role of this variant in disease. Therefore, it has been classified as a Variant of Uncertain Significance.